The following is an entry in ClinVar:

NM_004364.5(CEBPA):c.46AGC[1] (p.Ser17del)

Genes: CEBPA (CCAAT enhancer binding protein alpha; minus strand), LOC130064183 (ATAC-STARR-seq lymphoblastoid silent region 10495; plus strand). Cytogenetic location: 19q13.11.
Variant type: Microsatellite.
Coding change: c.46AGC[1] on transcript NM_004364.5 (MANE Select); one copy of the 3-base unit AGC starting at c.46; the reference has two copies in a row; one copy, 3 bases deleted.
Protein change: p.Ser17del; deletes serine 17.
Molecular consequence: inframe deletion. On other transcripts: 5 prime UTR variant (1), inframe indel (1).
Genome position (GRCh38, 1-based): chr19:33,302,364-33,302,366, GCT deleted on the plus strand (AGC on the coding strand, the reverse complement: CEBPA is on the minus strand); deleting any 3 consecutive bases within chr19:33,302,364-33,302,369 gives the same sequence; the position shown is the placement nearest the transcript's 3' end. VCF-style (leftmost placement, unchanged base first): chr19-33302363-GGCT-G. GRCh37 (hg19) VCF-style: chr19-33793269-GGCT-G.
Other names: c.49_51delAGC (NM_004364.3); c.-312AGC[1] (NM_001285829.2); c.151AGC[1], p.Ser52del (NM_001287424.2); c.4AGC[1], p.Ser3del (NM_001287435.2); c.46_48AGC[1], p.Ser17del (NM_004364.3); short protein forms S17del, S52del, S3del.
Identifiers: ClinVar variation 2767496 (VCV002767496.4), dbSNP rs2513333521, ClinGen allele CA2697556437.

ClinVar aggregate classification (germline): Uncertain significance. Review status: criteria provided, multiple submitters, no conflicts (2 of 4 stars). 2 submissions from 2 submitters: Uncertain significance (2). Last evaluated 2025-09-26.

Conditions:
Acute myeloid leukemia (AML). Also called: Acute myeloid leukemia, adult; AML adult; Acute non-lymphocytic leukemia; Acute granulocytic leukemia; Leukemia, acute myeloid, somatic; Leukemia, acute myelogenous, somatic. Identifiers: Orphanet 519, MedGen C0023467, MeSH D015470, MONDO:0018874, OMIM 601626, HP:0004808. Disease mechanism: Constitutively activated FLT3.
Inborn genetic diseases. Identifiers: MedGen C0950123, MeSH D030342.

Submissions (2):

Ambry Genetics
Classification: Uncertain significance for Inborn genetic diseases. Last evaluated: 2025-09-26. Review status: criteria provided, single submitter. Criteria: Ambry Variant Classification Scheme 2023. Collection method: clinical testing. Allele origin: germline.
Comment: The c.49_51delAGC variant (also known as p.S17del) is located in coding exon 1 of the CEBPA gene. This variant results from an in-frame AGC deletion at nucleotide positions 49 to 51. This results in the in-frame deletion of a serine at codon 17. This amino acid position is not well conserved in available vertebrate species. In addition, this variant is predicted to be neutral by in silico analysis (Choi Y et al. PLoS ONE. 2012; 7(10):e46688). Based on the available evidence, the clinical significance of this variant remains unclear.

Labcorp Genetics (formerly Invitae), Labcorp
Classification: Uncertain significance for Acute myeloid leukemia. Last evaluated: 2024-04-30. Review status: criteria provided, single submitter. Criteria: Invitae Variant Classification Sherloc (09022015). Collection method: clinical testing. Allele origin: germline.
Comment: This variant, c.49_51del, results in the deletion of 1 amino acid(s) of the CEBPA protein (p.Ser17del), but otherwise preserves the integrity of the reading frame. This variant is not present in population databases (gnomAD no frequency). This variant has not been reported in the literature in individuals affected with CEBPA-related conditions. Experimental studies and prediction algorithms are not available or were not evaluated, and the functional significance of this variant is currently unknown. In summary, the available evidence is currently insufficient to determine the role of this variant in disease. Therefore, it has been classified as a Variant of Uncertain Significance.